The following is an entry in ClinVar:

ClinVar aggregate classification (germline): Uncertain significance (1 of 4 stars; one submission).

Conditions:
Hao-Fountain syndrome due to USP7 mutation. Also called: USP7-Related Hao Fountain Syndrome. Identifiers: Orphanet 643538, MedGen C5816734, MONDO:0958071, OMIM 616863.

Submission:

Juno Genomics, Hangzhou Juno Genomics, Inc
Classification: Uncertain significance for Hao-Fountain syndrome due to USP7 mutation. Review status: criteria provided, single submitter. Criteria: ACMG Guidelines, 2015. Collection method: clinical testing. Allele origin: germline.
Comment: Absent from controls (or at extremely low frequency if recessive) in Genome Aggregation Database.;Missense variant in a gene that has a low rate of benign missense variation.

NM_003470.3(USP7):c.2402A>C (p.Lys801Thr)

Gene: USP7 (ubiquitin specific peptidase 7; minus strand). Cytogenetic location: 16p13.2.
Variant type: single nucleotide variant.
Coding change: c.2402A>C on transcript NM_003470.3 (MANE Select); coding-DNA position 2402, A replaced by C.
Protein change: p.Lys801Thr; replaces lysine 801 with threonine.
Molecular consequence: missense variant. On other transcripts: non-coding transcript variant (1).
Genome position (GRCh38, 1-based): chr16:8,899,665, T>G on the plus strand (A>C on the coding strand, the complement: USP7 is on the minus strand). VCF-style: chr16-8899665-T-G. GRCh37 (hg19) VCF-style: chr16-8993522-T-G.
Other names: c.2105A>C, p.Lys702Thr (NM_001286458.2); c.2228A>C, p.Lys743Thr (NM_001321858.2); c.2354A>C, p.Lys785Thr (NM_001286457.2); short protein forms K785T, K801T, K702T, K743T.
Identifiers: ClinVar variation 5005662 (VCV005005662.2).